The following is an entry in ClinVar:

ClinVar aggregate classification (germline): Uncertain significance. Review status: criteria provided, multiple submitters, no conflicts (2 of 4 stars). 2 submissions from 2 submitters: Uncertain significance (2). Last evaluated 2024-06-17.

Conditions:
Autosomal dominant Alport syndrome (ATS3A). Also called: Alport syndrome dominant type; Renal failure and sensorineural hearing loss; ALPORT SYNDROME 3A, AUTOSOMAL DOMINANT. Identifiers: Orphanet 63, Orphanet 88918, MedGen C5882663, MONDO:0007086, OMIM 104200.
Hematuria, benign familial, 2 (BFH2). Identifiers: MedGen C5830421, MONDO:0958186, OMIM 620320.
Alport syndrome 3b, autosomal recessive. Identifiers: MedGen C5882699, MONDO:0957811, OMIM 620536.

gnomAD v4.1: 95 of 1,613,682 alleles (0.0059%); highest among the groups gnomAD compares: Non-Finnish European, 0.008%; no homozygotes.

Submissions (2):

Labcorp Genetics (formerly Invitae), Labcorp
Classification: Uncertain significance. Last evaluated: 2024-06-17. Review status: criteria provided, single submitter. Criteria: Invitae Variant Classification Sherloc (09022015). Collection method: clinical testing. Allele origin: germline.
Comment: This sequence change replaces leucine, which is neutral and non-polar, with proline, which is neutral and non-polar, at codon 1129 of the COL4A3 protein (p.Leu1129Pro). This variant is present in population databases (rs751915745, gnomAD 0.004%). This variant has not been reported in the literature in individuals affected with COL4A3-related conditions. Advanced modeling of protein sequence and biophysical properties (such as structural, functional, and spatial information, amino acid conservation, physicochemical variation, residue mobility, and thermodynamic stability) performed at Invitae indicates that this missense variant is not expected to disrupt COL4A3 protein function with a negative predictive value of 95%. In summary, the available evidence is currently insufficient to determine the role of this variant in disease. Therefore, it has been classified as a Variant of Uncertain Significance.

Fulgent Genetics
Classification: Uncertain significance for Autosomal dominant Alport syndrome; Hematuria, benign familial, 2; Alport syndrome 3b, autosomal recessive. Last evaluated: 2024-05-11. Review status: criteria provided, single submitter. Criteria: ACMG Guidelines, 2015. Collection method: clinical testing. Allele origin: germline.

NM_000091.5(COL4A3):c.3386T>C (p.Leu1129Pro)

Genes: COL4A3 (collagen type IV alpha 3 chain; plus strand), MFF-DT (MFF divergent transcript; minus strand). Cytogenetic location: 2q36.3.
Variant type: single nucleotide variant.
Coding change: c.3386T>C on transcript NM_000091.5 (MANE Select); coding-DNA position 3386, T replaced by C.
Protein change: p.Leu1129Pro; replaces leucine 1129 with proline.
Molecular consequence: missense variant.
Genome position (GRCh38, 1-based): chr2:227,294,538, T>C. VCF-style: chr2-227294538-T-C. GRCh37 (hg19) VCF-style: chr2-228159254-T-C.
Other names: short protein forms L1129P.
Identifiers: ClinVar variation 3586106 (VCV003586106.3).